The following is an entry in ClinVar:

NM_001399.5(EDA):c.448G>T (p.Glu150Ter)

Gene: EDA (ectodysplasin A; plus strand). Cytogenetic location: Xq13.1.
Variant type: single nucleotide variant.
Coding change: c.448G>T on transcript NM_001399.5 (MANE Select); coding-DNA position 448, G replaced by T.
Protein change: p.Glu150Ter; replaces glutamic acid 150 with a stop codon.
Molecular consequence: nonsense.
Genome position (GRCh38, 1-based): chrX:69,957,078, G>T. VCF-style: chrX-69957078-G-T. GRCh37 (hg19) VCF-style: chrX-69176928-G-T.
Other names: c.448G>T, p.Glu150Ter (NM_001005609.2, NM_001005612.3); short protein forms E150*.
Identifiers: ClinVar variation 3666739 (VCV003666739.2).

ClinVar aggregate classification (germline): Pathogenic (1 of 4 stars; one submission).

Conditions:
Hypohidrotic X-linked ectodermal dysplasia (XHED). Also called: ECTODERMAL DYSPLASIA, HYPOHIDROTIC, 1; CST SYNDROME; Ectodermal Dysplasia 1, Anhidrotic; ECTODERMAL DYSPLASIA 1, HYPOHIDROTIC/HAIR/TOOTH TYPE, X-LINKED; ECTODERMAL DYSPLASIA 1; ECTODERMAL DYSPLASIA 1, HYPOHIDROTIC, X-LINKED. Identifiers: Orphanet 181, Orphanet 238468, MedGen C0162359, MONDO:0010585, OMIM 305100.

Submission:

Labcorp Genetics (formerly Invitae), Labcorp
Classification: Pathogenic for Hypohidrotic X-linked ectodermal dysplasia. Last evaluated: 2024-11-08. Review status: criteria provided, single submitter. Criteria: Invitae Variant Classification Sherloc (09022015). Collection method: clinical testing. Allele origin: germline.
Comment: This sequence change creates a premature translational stop signal (p.Glu150*) in the EDA gene. It is expected to result in an absent or disrupted protein product. Loss-of-function variants in EDA are known to be pathogenic (PMID: 9683615). This variant is not present in population databases (gnomAD no frequency). This variant has not been reported in the literature in individuals affected with EDA-related conditions. For these reasons, this variant has been classified as Pathogenic.

Literature cited by the submitters: PubMed 9683615.